The following is an entry in ClinVar:

ClinVar aggregate classification (germline): Uncertain significance (1 of 4 stars; one submission).

Submission:

GeneDx
Classification: Uncertain significance. Last evaluated: 2024-05-17. Review status: criteria provided, single submitter. Criteria: GeneDx Variant Classification Process June 2021. Collection method: clinical testing. Allele origin: germline. Affected: yes.
Comment: Not observed at significant frequency in large population cohorts (gnomAD); In silico analysis indicates that this missense variant does not alter protein structure/function; Has not been previously published as pathogenic or benign to our knowledge

NM_001330574.2(ZNF711):c.16G>A (p.Gly6Arg)

Gene: ZNF711 (zinc finger protein 711; plus strand). Cytogenetic location: Xq21.1.
Variant type: single nucleotide variant.
Coding change: c.16G>A on transcript NM_001330574.2 (MANE Select); coding-DNA position 16, G replaced by A.
Protein change: p.Gly6Arg; replaces glycine 6 with arginine.
Molecular consequence: missense variant.
Genome position (GRCh38, 1-based): chrX:85,247,588, G>A. VCF-style: chrX-85247588-G-A. GRCh37 (hg19) VCF-style: chrX-84502594-G-A.
Other names: c.16G>A, p.Gly6Arg (NM_001375431.1, NM_001375432.1, NM_001375433.1 and 5 more transcripts); short protein forms G6R.
Identifiers: ClinVar variation 3377983 (VCV003377983.1).
Genomic context (GRCh38, chrX:85,247,588, plus strand): 5'-AAAGCCATTTCTTTTGCAGATATTGGTGAATGAACTTTGCTAAGTATGGATTCAGGCGGT[G>A]GAAGTCTTGGATTGCACACGCCAGACTCTAGAATGGCCCATACCATGATTATGCAAGATT-3'
Protein context (NP_001317503.1, residues 1-16): MDSGG[Gly6Arg]SLGLHTPDSR